The following is an entry in ClinVar:

NM_001365276.2(TNXB):c.3520dup (p.Ser1174fs)

Gene: TNXB (tenascin XB; minus strand). Cytogenetic location: 6p21.33.
Variant type: Duplication.
Coding change: c.3520dup on transcript NM_001365276.2 (MANE Select); coding-DNA position 3520, one base duplicated (T; older notation c.3520dupT).
Protein change: p.Ser1174fs; shifts the reading frame from serine 1174.
Molecular consequence: frameshift variant.
Genome position (GRCh38, 1-based): chr6:32,082,252, A duplicated on the plus strand (T on the coding strand, the reverse complement: TNXB is on the minus strand); the first of 2 consecutive A bases (chr6:32,082,252-32,082,253); duplicating either gives the same sequence. VCF-style (leftmost placement, unchanged base first): chr6-32082251-G-GA. GRCh37 (hg19) VCF-style: chr6-32050028-G-GA.
Other names: c.4261dup, p.Ser1421fs (NM_001428335.1); c.3520dup, p.Ser1174fs (NM_019105.8); short protein forms S1174fs, S1421fs.
Identifiers: ClinVar variation 5014860 (VCV005014860.1).

ClinVar aggregate classification (germline): Pathogenic (1 of 4 stars; one submission).

Conditions:
Ehlers-Danlos syndrome due to tenascin-X deficiency (EDSCLL1). Also called: EDS DUE TO TNX DEFICIENCY; TNX DEFICIENCY; Ehlers-Danlos syndrome, classic-like, 1; EHLERS-DANLOS SYNDROME, CLASSIC-LIKE; TNXB-Related Classical-Like Ehlers-Danlos Syndrome. Identifiers: Orphanet 230839, MedGen C1848029, MONDO:0011670, OMIM 606408.

Submission:

Myriad Genetics, Inc.
Classification: Pathogenic for Ehlers-Danlos syndrome due to tenascin-X deficiency. Last evaluated: 2025-08-12. Review status: criteria provided, single submitter. Criteria: Myriad Autosomal Dominant, Autosomal Recessive and X-Linked Classification Criteria (2023). Collection method: clinical testing. Allele origin: unknown.
Comment: NM_019105.6(TNXB):c.3520dupT(S1174Ffs*10) is expected to be pathogenic in the context of classical-like Ehlers-Danlos syndrome, TNXB-related. This variant is predicted to lead to an abnormal or absent protein product due to the creation of a premature termination codon in TNXB, a gene where loss-of-function variants are known to be pathogenic. Please note: this variant was assessed in the context of healthy population screening.